The following is an entry in ClinVar:

ClinVar aggregate classification (germline): Benign. Review status: criteria provided, multiple submitters, no conflicts (2 of 4 stars). 2 submissions from 2 submitters: Benign (2). Last evaluated 2019-04-20.

Allele frequency attached by ClinVar (database versions not stated): 1000 Genomes Project 30x 0.03966; 1000 Genomes Project 0.04233; TOPMed 0.04928; ESP Exome Variant Server 0.05079; gnomAD 0.05450 and 0.05664; gnomAD exomes 0.06751 and 0.06890; ExAC 0.07459.
gnomAD v4.1: 107,036 of 1,611,280 alleles (6.6%); highest among the groups gnomAD compares: Middle Eastern, 16%; 4,286 homozygotes.

Submissions (2):

GeneDx
Classification: Benign. Last evaluated: 2019-04-20. Review status: criteria provided, single submitter. Criteria: GeneDx Variant Classification Process June 2021. Collection method: clinical testing. Allele origin: germline. Affected: yes.
Comment: This variant is associated with the following publications: (PMID: 30180840)

Breakthrough Genomics
Classification: Benign. Review status: criteria provided, single submitter. Criteria: ACMG Guidelines, 2015. Collection method: not provided. Allele origin: germline. Inheritance: Unknown mechanism. Affected: yes.

NM_003386.3(ZAN):c.7532C>T (p.Ala2511Val)

Gene: ZAN (zonadhesin; plus strand). Cytogenetic location: 7q22.1.
Variant type: single nucleotide variant.
Coding change: c.7532C>T on transcript NM_003386.3 (MANE Select); coding-DNA position 7532, C replaced by T.
Protein change: p.Ala2511Val; replaces alanine 2511 with valine.
Molecular consequence: missense variant. On other transcripts: non-coding transcript variant (3).
Genome position (GRCh38, 1-based): chr7:100,791,968, C>T. VCF-style: chr7-100791968-C-T. GRCh37 (hg19) VCF-style: chr7-100389590-C-T.
Other names: c.7532C>T, p.Ala2511Val (NM_173059.3); short protein forms A2511V.
Identifiers: ClinVar variation 1275265 (VCV001275265.2), dbSNP rs76325149, ClinGen allele CA4392049.